The following is an entry in ClinVar:

NM_005751.5(AKAP9):c.1868A>G (p.Glu623Gly)

Gene: AKAP9 (A-kinase anchoring protein 9; plus strand). Cytogenetic location: 7q21.2.
Variant type: single nucleotide variant.
Coding change: c.1868A>G on transcript NM_005751.5 (MANE Select); coding-DNA position 1868, A replaced by G.
Protein change: p.Glu623Gly; replaces glutamic acid 623 with glycine.
Molecular consequence: missense variant.
Genome position (GRCh38, 1-based): chr7:92,001,785, A>G. VCF-style: chr7-92001785-A-G. GRCh37 (hg19) VCF-style: chr7-91631099-A-G.
Other names: c.1868A>G, p.Glu623Gly (NM_147185.3); short protein forms E623G.
Identifiers: ClinVar variation 3517168 (VCV003517168.1).

ClinVar aggregate classification (germline): Uncertain significance (1 of 4 stars; one submission).

Conditions:
Cardiovascular phenotype. Identifiers: MedGen CN230736.

Submission:

Ambry Genetics
Classification: Uncertain significance for Cardiovascular phenotype. Last evaluated: 2024-11-03. Review status: criteria provided, single submitter. Criteria: Ambry Variant Classification Scheme 2023. Collection method: clinical testing. Allele origin: germline.
Comment: The p.E623G variant (also known as c.1868A>G), located in coding exon 8 of the AKAP9 gene, results from an A to G substitution at nucleotide position 1868. The glutamic acid at codon 623 is replaced by glycine, an amino acid with similar properties. This amino acid position is conserved. In addition, the in silico prediction for this alteration is inconclusive. Based on the available evidence, the clinical significance of this variant remains unclear.